The following is an entry in ClinVar:

NM_001009944.3(PKD1):c.4745G>T (p.Trp1582Leu)

Gene: PKD1 (polycystin 1, transient receptor potential channel interacting; minus strand). Cytogenetic location: 16p13.3.
Variant type: single nucleotide variant.
Coding change: c.4745G>T on transcript NM_001009944.3 (MANE Select); coding-DNA position 4745, G replaced by T.
Protein change: p.Trp1582Leu; replaces tryptophan 1582 with leucine.
Molecular consequence: missense variant.
Genome position (GRCh38, 1-based): chr16:2,110,422, C>A on the plus strand (G>T on the coding strand, the complement: PKD1 is on the minus strand). VCF-style: chr16-2110422-C-A. GRCh37 (hg19) VCF-style: chr16-2160423-C-A.
Other names: c.4745G>T, p.Trp1582Leu (NM_000296.4); short protein forms W1582L.
Identifiers: ClinVar variation 4887597 (VCV004887597.2).

ClinVar aggregate classification (germline): Uncertain significance. Review status: criteria provided, multiple submitters, no conflicts (2 of 4 stars). 2 submissions from 2 submitters: Uncertain significance (2). Last evaluated 2026-06-01.

Submissions (2):

Women's Health and Genetics/Laboratory Corporation of America, LabCorp
Classification: Uncertain significance. Last evaluated: 2026-06-01. Review status: criteria provided, single submitter. Criteria: LabCorp Variant Classification Summary - May 2015. Collection method: clinical testing. Allele origin: germline.
Comment: Variant summary: PKD1 c.4745G>T (p.Trp1582Leu) results in a non-conservative amino acid change in the encoded protein sequence. Algorithms developed to predict the effect of missense changes on protein structure and function all suggest that this variant is likely to be disruptive. The variant was absent in 249236 control chromosomes. The available data on variant occurrences in the general population are insufficient to allow any conclusion about variant significance. To our knowledge, no occurrence of c.4745G>T in individuals affected with PKD1-related conditions and no experimental evidence demonstrating its impact on protein function have been reported. No submitters have cited clinical-significance assessments for this variant to ClinVar. Based on the evidence outlined above, the variant was classified as uncertain significance.

Blueprint Genetics
Classification: Uncertain significance. Last evaluated: 2021-03-09. Review status: criteria provided, single submitter. Criteria: ACMG Guidelines, 2015. Collection method: clinical testing. Allele origin: germline.